The following is an entry in ClinVar:

NM_000038.6(APC):c.6434G>T (p.Gly2145Val)

Gene: APC (APC regulator of Wnt signaling pathway; plus strand). Cytogenetic location: 5q22.2.
Variant type: single nucleotide variant.
Coding change: c.6434G>T on transcript NM_000038.6 (MANE Select); coding-DNA position 6434, G replaced by T.
Protein change: p.Gly2145Val; replaces glycine 2145 with valine.
Molecular consequence: missense variant.
Genome position (GRCh38, 1-based): chr5:112,842,028, G>T. VCF-style: chr5-112842028-G-T. GRCh37 (hg19) VCF-style: chr5-112177725-G-T.
Other names: c.6434G>T, p.Gly2145Val (NM_001127510.3, NM_001354895.2); c.6380G>T, p.Gly2127Val (NM_001127511.3); c.6488G>T, p.Gly2163Val (NM_001354896.2); c.6464G>T, p.Gly2155Val (NM_001354897.2); c.6359G>T, p.Gly2120Val (NM_001354898.2); c.6350G>T, p.Gly2117Val (NM_001354899.2); c.6311G>T, p.Gly2104Val (NM_001354900.2); c.6257G>T, p.Gly2086Val (NM_001354901.2); and 5 more; short protein forms G2127V, G2145V, G2117V, G2120V, G2086V, G2019V, G2044V, G1862V.
Identifiers: ClinVar variation 517191 (VCV000517191.12), dbSNP rs1554087422, ClinGen allele CA16035412.
Genomic context (GRCh38, chr5:112,842,028, plus strand): 5'-CTAGACAAGCTTCGTCTGATTCAGATTCCATCCTTTCCCTGAAATCAGGAATCTCTCTGG[G>T]ATCACCATTTCATCTTACACCTGATCAAGAAGAAAAACCCTTTACAAGTAATAAAGGCCC-3'
Protein context (NP_000029.2, residues 2135-2155): ILSLKSGISL[Gly2145Val]SPFHLTPDQE

ClinVar aggregate classification (germline): Uncertain significance. Review status: criteria provided, multiple submitters, no conflicts (2 of 4 stars). 3 submissions from 3 submitters: Uncertain significance (3). Last evaluated 2025-01-27.

Conditions:
Familial adenomatous polyposis 1 (FAP1). Also called: POLYPOSIS, ADENOMATOUS INTESTINAL; FAMILIAL ADENOMATOUS POLYPOSIS 1, ATTENUATED. Identifiers: MedGen C2713442, MONDO:0021056, OMIM 175100. Disease mechanism: loss of function.
Hereditary cancer-predisposing syndrome. Also called: Tumor predisposition; Hereditary neoplastic syndrome; Neoplastic Syndromes, Hereditary; Hereditary Cancer Syndrome. Identifiers: Orphanet 140162, MedGen C0027672, MeSH D009386, MONDO:0015356.

Allele frequency attached by ClinVar (database versions not stated): gnomAD exomes below 0.00001.

Submissions (3):

Labcorp Genetics (formerly Invitae), Labcorp
Classification: Uncertain significance for Familial adenomatous polyposis 1. Last evaluated: 2025-01-27. Review status: criteria provided, single submitter. Criteria: Invitae Variant Classification Sherloc (09022015). Collection method: clinical testing. Allele origin: germline.
Comment: This sequence change replaces glycine, which is neutral and non-polar, with valine, which is neutral and non-polar, at codon 2145 of the APC protein (p.Gly2145Val). This variant is not present in population databases (gnomAD no frequency). This variant has not been reported in the literature in individuals affected with APC-related conditions. ClinVar contains an entry for this variant (Variation ID: 517191). Invitae Evidence Modeling of protein sequence and biophysical properties (such as structural, functional, and spatial information, amino acid conservation, physicochemical variation, residue mobility, and thermodynamic stability) indicates that this missense variant is not expected to disrupt APC protein function with a negative predictive value of 95%. In summary, the available evidence is currently insufficient to determine the role of this variant in disease. Therefore, it has been classified as a Variant of Uncertain Significance.

Ambry Genetics
Classification: Uncertain significance for Hereditary cancer-predisposing syndrome. Last evaluated: 2025-01-07. Review status: criteria provided, single submitter. Criteria: Ambry Variant Classification Scheme 2023. Collection method: clinical testing. Allele origin: germline.
Comment: The p.G2145V variant (also known as c.6434G>T), located in coding exon 15 of the APC gene, results from a G to T substitution at nucleotide position 6434. The glycine at codon 2145 is replaced by valine, an amino acid with dissimilar properties. This variant was detected in a study of 1165 individuals with a history of colorectal cancer or colon polyps as well as 590 controls (Gordon AS et al. Am J Hum Genet, 2019 Sep;105:526-533). This amino acid position is highly conserved in available vertebrate species. In addition, in silico predictors for this gene do not accurately predict pathogenicity. Missense alterations in APC are not a common cause of disease (Spier I et al. Genet Med. 2024 Feb;26(2):100992). Based on the available evidence, the clinical significance of this variant remains unclear.

Laboratory for Molecular Medicine, Mass General Brigham Personalized Medicine
Classification: Uncertain significance. Last evaluated: 2016-12-21. Review status: criteria provided, single submitter. Criteria: LMM Criteria. Collection method: clinical testing. Allele origin: germline. Observed: 1 variant allele.
Comment: The p.Gly2145Val variant in APC has not been previously reported in individuals with FAP or other APC-associated disorders and has not been detected in large po pulation studies. Computational prediction tools and conservation analysis sugge st that the p.Gly2145Val variant may impact the protein, though this information is not predictive enough to determine pathogenicity. In summary, the clinical s ignificance of the p.Gly2145Val variant is uncertain.

Literature cited by the submitters: PubMed 31422818 (cited by Ambry Genetics).